The following is an entry in ClinVar:

ClinVar aggregate classification (germline): Likely benign (1 of 4 stars; one submission).

gnomAD v4.1: 1 of 1,614,030 alleles (0.000062%); highest among the groups gnomAD compares: Non-Finnish European, 0.000085%; no homozygotes.

Submission:

CeGaT Center for Human Genetics Tuebingen
Classification: Likely benign. Last evaluated: 2022-06-01. Review status: criteria provided, single submitter. Criteria: CeGaT Center For Human Genetics Tuebingen Variant Classification Criteria Version 2. Collection method: clinical testing. Allele origin: germline. Affected: yes. Observed: 1 variant allele.
Comment: FAT4: PM2:Supporting, BP4, BP7

NM_001291303.3(FAT4):c.6303C>T (p.Thr2101=)

Gene: FAT4 (FAT atypical cadherin 4; plus strand). Cytogenetic location: 4q28.1.
Variant type: single nucleotide variant.
Coding change: c.6303C>T on transcript NM_001291303.3 (MANE Select); coding-DNA position 6303, C replaced by T.
Protein change: p.Thr2101=; no amino-acid change (threonine 2101 retained).
Molecular consequence: synonymous variant.
Genome position (GRCh38, 1-based): chr4:125,415,266, C>T. VCF-style: chr4-125415266-C-T. GRCh37 (hg19) VCF-style: chr4-126336421-C-T.
Other names: c.6303C>T, p.Thr2101= (NM_001291285.3, NM_024582.6).
Identifiers: ClinVar variation 2655082 (VCV002655082.24), dbSNP rs1735000392, ClinGen allele CA441369822.